The following is an entry in ClinVar:

ClinVar aggregate classification (germline): Benign/Likely benign. Review status: criteria provided, multiple submitters, no conflicts (2 of 4 stars). 4 submissions from 4 submitters: Benign (1); Likely benign (3). Last evaluated 2026-01-28.

Conditions:
Primary ciliary dyskinesia. Also called: Ciliary dyskinesia. Identifiers: Orphanet 244, MedGen C0008780, MONDO:0016575, HP:0012265.
RPGR-related disorder. Also called: RPGR-related condition.

Allele frequency attached by ClinVar (database versions not stated): gnomAD 0.00010 and 0.00015; TOPMed 0.00017; gnomAD exomes 0.00041; ExAC 0.00043; 1000 Genomes Project 0.00079; 1000 Genomes Project 30x 0.00083.
gnomAD v4.1: 98 of 1,209,968 alleles (0.0081%); highest among the groups gnomAD compares: East Asian, 0.2%; no homozygotes.

Submissions (4):

Labcorp Genetics (formerly Invitae), Labcorp
Classification: Benign for Primary ciliary dyskinesia. Last evaluated: 2026-01-28. Review status: criteria provided, single submitter. Criteria: Invitae Variant Classification Sherloc (09022015). Collection method: clinical testing. Allele origin: germline.

PreventionGenetics, part of Exact Sciences
Classification: Likely benign for RPGR-related condition. Last evaluated: 2025-10-27. Review status: criteria provided, single submitter. Criteria: ACMG Guidelines, 2015. Collection method: clinical testing. Allele origin: germline.
Comment: This variant is classified as likely benign based on ACMG/AMP sequence variant interpretation guidelines (Richards et al. 2015 PMID: 25741868, with internal and published modifications).

CeGaT Center for Human Genetics Tuebingen
Classification: Likely benign. Last evaluated: 2025-09-01. Review status: criteria provided, single submitter. Criteria: CeGaT Center For Human Genetics Tuebingen Variant Classification Criteria Version 2. Collection method: clinical testing. Allele origin: germline. Affected: yes. Observed: 1 variant allele.
Comment: RPGR: BP4, BP7, BS2

Blueprint Genetics
Classification: Likely benign. Last evaluated: 2024-10-04. Review status: criteria provided, single submitter. Criteria: ACMG Guidelines, 2015. Collection method: clinical testing. Allele origin: germline.

NM_001034853.2(RPGR):c.3402A>C (p.Pro1134=)

Gene: RPGR (retinitis pigmentosa GTPase regulator; minus strand). Cytogenetic location: Xp11.4.
Variant type: single nucleotide variant.
Coding change: c.3402A>C on transcript NM_001034853.2 (MANE Select); coding-DNA position 3402, A replaced by C.
Protein change: p.Pro1134=; no amino-acid change (proline 1134 retained).
Molecular consequence: synonymous variant. On other transcripts: intron variant (8).
Genome position (GRCh38, 1-based): chrX:38,285,597, T>G on the plus strand (A>C on the coding strand, the complement: RPGR is on the minus strand). VCF-style: chrX-38285597-T-G. GRCh37 (hg19) VCF-style: chrX-38144850-T-G.
Other names: c.3402A>C (NM_001034853.1); c.1569+5362A>C (NM_001367249.1, NM_001367250.1); c.1902+1497A>C (NM_001367245.1); c.1386+5362A>C (NM_001367251.1); c.1719+1497A>C (NM_001367246.1); c.1572+5362A>C (NM_001367247.1); c.1905+1497A>C (NM_000328.3); c.1602+5362A>C (NM_001367248.1).
Identifiers: ClinVar variation 1600013 (VCV001600013.17), dbSNP rs199602213, ClinGen allele CA10385146.